The following is an entry in ClinVar:

ClinVar aggregate classification (germline): Likely benign. Review status: criteria provided, multiple submitters, no conflicts (2 of 4 stars). 4 submissions from 4 submitters: Likely benign (4). Last evaluated 2025-12-20.

Conditions:
Charcot-Marie-Tooth disease type 4. Also called: Charcot-Marie-Tooth disease, type IV; Charcot-Marie-Tooth, Type 4. Identifiers: Orphanet 64749, MedGen C4082197, MONDO:0018995.
Charcot-Marie-Tooth disease type 4B2. Also called: CHARCOT-MARIE-TOOTH DISEASE, DEMYELINATING, TYPE 4B2; Charcot-Marie-Tooth Neuropathy Type 4B2; CMT 4B2; CHARCOT-MARIE-TOOTH DISEASE, WITH FOCALLY FOLDED MYELIN SHEATHS, AUTOSOMAL RECESSIVE, TYPE 4B2. Identifiers: Orphanet 99956, MedGen C1858278, MONDO:0011475, OMIM 604563.

Allele frequency attached by ClinVar (database versions not stated): TOPMed 0.00007; ESP Exome Variant Server 0.00008; gnomAD 0.00009; gnomAD exomes 0.00014 and 0.00017; ExAC 0.00025.
gnomAD v4.1: 209 of 1,611,556 alleles (0.013%); highest among the groups gnomAD compares: Non-Finnish European, 0.015%; no homozygotes.

Submissions (4):

Labcorp Genetics (formerly Invitae), Labcorp
Classification: Likely benign for Charcot-Marie-Tooth disease type 4. Last evaluated: 2025-12-20. Review status: criteria provided, single submitter. Criteria: Invitae Variant Classification Sherloc (09022015). Collection method: clinical testing. Allele origin: germline.

Blueprint Genetics
Classification: Likely benign. Last evaluated: 2024-02-15. Review status: criteria provided, single submitter. Criteria: ACMG Guidelines, 2015. Collection method: clinical testing. Allele origin: germline.

Fulgent Genetics
Classification: Likely benign for Charcot-Marie-Tooth disease type 4B2. Last evaluated: 2022-01-24. Review status: criteria provided, single submitter. Criteria: ACMG Guidelines, 2015. Collection method: clinical testing. Allele origin: unknown.

GeneDx
Classification: Likely benign. Last evaluated: 2016-04-05. Review status: criteria provided, single submitter. Criteria: GeneDx Variant Classification (06012015). Collection method: clinical testing. Allele origin: germline. Affected: yes.
Comment: This variant is considered likely benign or benign based on one or more of the following criteria: it is a conservative change, it occurs at a poorly conserved position in the protein, it is predicted to be benign by multiple in silico algorithms, and/or has population frequency not consistent with disease.

NM_030962.4(SBF2):c.5037+12A>G

Genes: SBF2 (SET binding factor 2; minus strand), SBF2-AS1 (SBF2 antisense RNA 1; plus strand), LOC105369149 (uncharacterized LOC105369149; plus strand). Cytogenetic location: 11p15.4.
Variant type: single nucleotide variant.
Coding change: c.5037+12A>G on transcript NM_030962.4 (MANE Select); 12 bases into the intron after coding-DNA position 5037, A replaced by G.
Molecular consequence: intron variant.
Genome position (GRCh38, 1-based): chr11:9,787,622, T>C on the plus strand (A>G on the coding strand, the complement: SBF2 is on the minus strand). VCF-style: chr11-9787622-T-C. GRCh37 (hg19) VCF-style: chr11-9809169-T-C.
Other names: c.4908+12A>G (NM_001386342.1); c.5133+12A>G (NM_001386339.1).
Identifiers: ClinVar variation 385071 (VCV000385071.11), dbSNP rs372500490, ClinGen allele CA5880827.